The following is an entry in ClinVar:

NM_001371727.1(GABRB2):c.1037C>T (p.Ala346Val)

Gene: GABRB2 (gamma-aminobutyric acid type A receptor subunit beta2; minus strand). Cytogenetic location: 5q34.
Variant type: single nucleotide variant.
Coding change: c.1037C>T on transcript NM_001371727.1 (MANE Select); coding-DNA position 1037, C replaced by T.
Protein change: p.Ala346Val; replaces alanine 346 with valine.
Molecular consequence: missense variant.
Genome position (GRCh38, 1-based): chr5:161,330,923, G>A on the plus strand (C>T on the coding strand, the complement: GABRB2 is on the minus strand). VCF-style: chr5-161330923-G-A. GRCh37 (hg19) VCF-style: chr5-160757930-G-A.
Other names: c.1037C>T, p.Ala346Val (NM_000813.3, NM_021911.3); short protein forms A346V.
Identifiers: ClinVar variation 4532717 (VCV004532717.1).

ClinVar aggregate classification (germline): Uncertain significance (1 of 4 stars; one submission).

Submission:

GeneDx
Classification: Uncertain significance. Last evaluated: 2025-05-29. Review status: criteria provided, single submitter. Criteria: GeneDx Variant Classification Process June 2021. Collection method: clinical testing. Allele origin: germline. Affected: yes.
Comment: Not observed at significant frequency in large population cohorts (gnomAD); In silico analysis suggests that this missense variant does not alter protein structure/function; Has not been previously published as pathogenic or benign to our knowledge